The following is an entry in ClinVar:

NM_001414.4(EIF2B1):c.424G>A (p.Val142Met)

Gene: EIF2B1 (eukaryotic translation initiation factor 2B subunit alpha; minus strand). Cytogenetic location: 12q24.31.
Variant type: single nucleotide variant.
Coding change: c.424G>A on transcript NM_001414.4 (MANE Select); coding-DNA position 424, G replaced by A.
Protein change: p.Val142Met; replaces valine 142 with methionine.
Molecular consequence: missense variant.
Genome position (GRCh38, 1-based): chr12:123,627,102, C>T on the plus strand (G>A on the coding strand, the complement: EIF2B1 is on the minus strand). VCF-style: chr12-123627102-C-T. GRCh37 (hg19) VCF-style: chr12-124111649-C-T.
Other names: c.424G>A (NM_001414.3); short protein forms V142M.
Identifiers: ClinVar variation 1486551 (VCV001486551.6), dbSNP rs139913280, ClinGen allele CA6860134.

ClinVar aggregate classification (germline): Uncertain significance. Review status: criteria provided, multiple submitters, no conflicts (2 of 4 stars). 2 submissions from 2 submitters: Uncertain significance (2). Last evaluated 2025-09-09.

Conditions:
Inborn genetic diseases. Identifiers: MedGen C0950123, MeSH D030342.

Allele frequency attached by ClinVar (database versions not stated): gnomAD exomes 0.00011; ExAC 0.00015; TOPMed 0.00029; gnomAD 0.00030 and 0.00032; 1000 Genomes Project 30x 0.00047; 1000 Genomes Project 0.00060; ESP Exome Variant Server 0.00062.

Submissions (2):

Ambry Genetics
Classification: Uncertain significance for Inborn genetic diseases. Last evaluated: 2025-09-09. Review status: criteria provided, single submitter. Criteria: Ambry Variant Classification Scheme 2023. Collection method: clinical testing. Allele origin: germline.

Labcorp Genetics (formerly Invitae), Labcorp
Classification: Uncertain significance. Last evaluated: 2022-08-15. Review status: criteria provided, single submitter. Criteria: Invitae Variant Classification Sherloc (09022015). Collection method: clinical testing. Allele origin: germline.
Comment: This sequence change replaces valine, which is neutral and non-polar, with methionine, which is neutral and non-polar, at codon 142 of the EIF2B1 protein (p.Val142Met). This variant is present in population databases (rs139913280, gnomAD 0.1%). This variant has not been reported in the literature in individuals affected with EIF2B1-related conditions. ClinVar contains an entry for this variant (Variation ID: 1486551). Algorithms developed to predict the effect of missense changes on protein structure and function (SIFT, PolyPhen-2, Align-GVGD) all suggest that this variant is likely to be tolerated. In summary, the available evidence is currently insufficient to determine the role of this variant in disease. Therefore, it has been classified as a Variant of Uncertain Significance.